The following is an entry in ClinVar:

NM_000229.2(LCAT):c.1018G>A (p.Gly340Ser)

Gene: LCAT (lecithin-cholesterol acyltransferase; minus strand). Cytogenetic location: 16q22.1.
Variant type: single nucleotide variant.
Coding change: c.1018G>A on transcript NM_000229.2 (MANE Select); coding-DNA position 1018, G replaced by A.
Protein change: p.Gly340Ser; replaces glycine 340 with serine.
Molecular consequence: missense variant.
Genome position (GRCh38, 1-based): chr16:67,940,209, C>T on the plus strand (G>A on the coding strand, the complement: LCAT is on the minus strand). VCF-style: chr16-67940209-C-T. GRCh37 (hg19) VCF-style: chr16-67974112-C-T.
Other names: short protein forms G340S.
Identifiers: ClinVar variation 4614484 (VCV004614484.1).

ClinVar aggregate classification (germline): Uncertain significance (1 of 4 stars; one submission).

Conditions:
Cardiovascular phenotype. Identifiers: MedGen CN230736.

Submission:

Ambry Genetics
Classification: Uncertain significance for Cardiovascular phenotype. Last evaluated: 2025-11-22. Review status: criteria provided, single submitter. Criteria: Ambry Variant Classification Scheme 2023. Collection method: clinical testing. Allele origin: germline.
Comment: The p.G340S variant (also known as c.1018G>A), located in coding exon 6 of the LCAT gene, results from a G to A substitution at nucleotide position 1018. The glycine at codon 340 is replaced by serine, an amino acid with similar properties. This amino acid position is conserved. In addition, this alteration is predicted to be deleterious by in silico analysis. Based on the available evidence, the clinical significance of this variant remains unclear.